The following is an entry in ClinVar:

ClinVar aggregate classification (germline): Pathogenic (1 of 4 stars; one submission).

Conditions:
Macular dystrophy. Identifiers: MedGen C0730292, HP:0007754.

Submission:

Maternalfetal Medicine, Genetics and Reproduction, University Hospital Virgen del Rocio/CIBERER
Classification: Pathogenic for Macular dystrophy. Last evaluated: 2023-03-28. Review status: criteria provided, single submitter. Criteria: ACMG Guidelines, 2015. Collection method: clinical testing. Allele origin: inherited. Inheritance: Autosomal dominant inheritance. Affected: yes. Observed: 1 heterozygote.
Comment: The c.283+1G>A variant in THRB is a LOF variant (+PVS1 rule) that is absent from large population studies (+PM2 rule). It has been identified segregating with the disease in 11 affected individuals from three unrelated Spanish families (+PP1 rule) with clinically diagnosed dominant inherited retinal dystrophies including macular dystrophy, cone dystrophy, and Stargardt disease. The prevalence of the variant in affected individuals is significantly increased compared to the prevalence in controls (+PS4 rule). Additionally, in silico prediction tools suggested a disruption of the canonical donor splice site. In summary, the c.283+1G>A variant meets ACMG/AMP criteria to be classified as pathogenic.

NM_001354712.2(THRB):c.283+1G>A

Gene: THRB (thyroid hormone receptor beta; minus strand). Cytogenetic location: 3p24.2.
Variant type: single nucleotide variant.
Coding change: c.283+1G>A on transcript NM_001354712.2 (MANE Select); the canonical splice donor site of the intron after coding-DNA position 283, G replaced by A.
Molecular consequence: splice donor variant.
Genome position (GRCh38, 1-based): chr3:24,190,073, C>T on the plus strand (G>A on the coding strand, the complement: THRB is on the minus strand). VCF-style: chr3-24190073-C-T. GRCh37 (hg19) VCF-style: chr3-24231564-C-T.
Other names: chr3:24231564:C:T; c.283+1G>A (NM_001374822.1, NM_001374823.1, NM_001374824.1 and 12 more transcripts); c.190+1G>A (NM_001354714.2, NM_001354715.2).
Identifiers: ClinVar variation 2446361 (VCV002446361.3), dbSNP rs2474261231, ClinGen allele CA351890442.